The following is an entry in ClinVar:

NM_015512.5(DNAH1):c.11494C>A (p.Arg3832Ser)

Gene: DNAH1 (dynein axonemal heavy chain 1; plus strand). Cytogenetic location: 3p21.1.
Variant type: single nucleotide variant.
Coding change: c.11494C>A on transcript NM_015512.5 (MANE Select); coding-DNA position 11494, C replaced by A.
Protein change: p.Arg3832Ser; replaces arginine 3832 with serine.
Molecular consequence: missense variant.
Genome position (GRCh38, 1-based): chr3:52,396,681, C>A. VCF-style: chr3-52396681-C-A. GRCh37 (hg19) VCF-style: chr3-52430697-C-A.
Other names: short protein forms R3832S.
Identifiers: ClinVar variation 1011223 (VCV001011223.5), dbSNP rs200962458, ClinGen allele CA2436191.

ClinVar aggregate classification (germline): Uncertain significance (1 of 4 stars; one submission).

Conditions:
Spermatogenic failure 18. Identifiers: MedGen C4539783, MONDO:0054615, OMIM 617576.
Ciliary dyskinesia, primary, 37 (CILD37). Also called: CILIARY DYSKINESIA, PRIMARY, 37, WITH OR WITHOUT SITUS INVERSUS. Identifiers: MedGen C4539798, MONDO:0033204, OMIM 617577.

Allele frequency attached by ClinVar (database versions not stated): TOPMed 0.00004.
gnomAD v4.1: 73 of 1,613,608 alleles (0.0045%); highest among the groups gnomAD compares: Non-Finnish European, 0.0057%; 1 homozygote.

Submission:

Labcorp Genetics (formerly Invitae), Labcorp
Classification: Uncertain significance for Ciliary dyskinesia, primary, 37; Spermatogenic failure 18. Last evaluated: 2024-02-24. Review status: criteria provided, single submitter. Criteria: Invitae Variant Classification Sherloc (09022015). Collection method: clinical testing. Allele origin: germline.
Comment: This sequence change replaces arginine, which is basic and polar, with serine, which is neutral and polar, at codon 3832 of the DNAH1 protein (p.Arg3832Ser). This variant is present in population databases (no rsID available, gnomAD 0.005%). This variant has not been reported in the literature in individuals affected with DNAH1-related conditions. ClinVar contains an entry for this variant (Variation ID: 1011223). Experimental studies and prediction algorithms are not available or were not evaluated, and the functional significance of this variant is currently unknown. In summary, the available evidence is currently insufficient to determine the role of this variant in disease. Therefore, it has been classified as a Variant of Uncertain Significance.